The following is an entry in ClinVar:

ClinVar aggregate classification (germline): Uncertain significance (1 of 4 stars; one submission).

Conditions:
Hereditary cancer-predisposing syndrome. Also called: Neoplastic Syndromes, Hereditary; Tumor predisposition; Hereditary Cancer Syndrome; Hereditary neoplastic syndrome. Identifiers: Orphanet 140162, MedGen C0027672, MeSH D009386, MONDO:0015356.

Submission:

Ambry Genetics
Classification: Uncertain significance for Hereditary cancer-predisposing syndrome. Last evaluated: 2024-11-25. Review status: criteria provided, single submitter. Criteria: Ambry Variant Classification Scheme 2023. Collection method: clinical testing. Allele origin: germline.
Comment: The p.T258S variant (also known as c.772A>T), located in coding exon 6 of the POLD1 gene, results from an A to T substitution at nucleotide position 772. The threonine at codon 258 is replaced by serine, an amino acid with similar properties. This amino acid position is conserved. In addition, this alteration is predicted to be tolerated by in silico analysis. Based on the available evidence, the clinical significance of this variant remains unclear.

NM_002691.4(POLD1):c.772A>T (p.Thr258Ser)

Gene: POLD1 (DNA polymerase delta 1, catalytic subunit; plus strand). Cytogenetic location: 19q13.33.
Variant type: single nucleotide variant.
Coding change: c.772A>T on transcript NM_002691.4 (MANE Select); coding-DNA position 772, A replaced by T.
Protein change: p.Thr258Ser; replaces threonine 258 with serine.
Molecular consequence: missense variant. On other transcripts: non-coding transcript variant (1).
Genome position (GRCh38, 1-based): chr19:50,402,467, A>T. VCF-style: chr19-50402467-A-T. GRCh37 (hg19) VCF-style: chr19-50905724-A-T.
Other names: c.772A>T, p.Thr258Ser (NM_001256849.1, NM_001308632.1); short protein forms T258S.
Identifiers: ClinVar variation 3422015 (VCV003422015.1).